The following is an entry in ClinVar:

ClinVar aggregate classification (germline): Benign (1 of 4 stars; one submission).

Allele frequency attached by ClinVar (database versions not stated): gnomAD 0.18754 and 0.19105; TOPMed 0.19210; 1000 Genomes Project 30x 0.20191; 1000 Genomes Project 0.20567.
gnomAD v4.1: 28,963 of 151,986 alleles (19%); highest among the groups gnomAD compares: East Asian, 31%; 3,039 homozygotes.

Submission:

GeneDx
Classification: Benign. Last evaluated: 2018-06-19. Review status: criteria provided, single submitter. Criteria: GeneDx Variant Classification (06012015). Collection method: clinical testing. Allele origin: germline. Affected: yes.
Comment: This variant is considered likely benign or benign based on one or more of the following criteria: it is a conservative change, it occurs at a poorly conserved position in the protein, it is predicted to be benign by multiple in silico algorithms, and/or has population frequency not consistent with disease.

NM_018979.4(WNK1):c.1311+154G>T

Gene: WNK1 (WNK lysine deficient protein kinase 1; plus strand). Cytogenetic location: 12p13.33.
Variant type: single nucleotide variant.
Coding change: c.1311+154G>T on transcript NM_018979.4 (MANE Select); 154 bases into the intron after coding-DNA position 1311, G replaced by T.
Molecular consequence: intron variant.
Genome position (GRCh38, 1-based): chr12:830,314, G>T. VCF-style: chr12-830314-G-T. GRCh37 (hg19) VCF-style: chr12-939480-G-T.
Other names: c.1311+154G>T (NM_213655.5, NM_001184985.2, NM_014823.3).
Identifiers: ClinVar variation 670864 (VCV000670864.1), dbSNP rs11611246, ClinGen allele CA15731947.